The following is an entry in ClinVar:

NM_001080414.4(CCDC88C):c.1571A>G (p.Asn524Ser)

Gene: CCDC88C (coiled-coil and HOOK domain protein 88C; minus strand). Cytogenetic location: 14q32.11.
Variant type: single nucleotide variant.
Coding change: c.1571A>G on transcript NM_001080414.4 (MANE Select); coding-DNA position 1571, A replaced by G.
Protein change: p.Asn524Ser; replaces asparagine 524 with serine.
Molecular consequence: missense variant. On other transcripts: non-coding transcript variant (2).
Genome position (GRCh38, 1-based): chr14:91,315,744, T>C on the plus strand (A>G on the coding strand, the complement: CCDC88C is on the minus strand). VCF-style: chr14-91315744-T-C. GRCh37 (hg19) VCF-style: chr14-91782088-T-C.
Other names: short protein forms N524S.
Identifiers: ClinVar variation 4847513 (VCV004847513.1).

ClinVar aggregate classification (germline): Uncertain significance (1 of 4 stars; one submission).

gnomAD v4.1: 3 of 1,613,634 alleles (0.00019%); highest among the groups gnomAD compares: Non-Finnish European, 0.00025%; no homozygotes.

Submission:

Women's Health and Genetics/Laboratory Corporation of America, LabCorp
Classification: Uncertain significance. Last evaluated: 2026-03-03. Review status: criteria provided, single submitter. Criteria: LabCorp Variant Classification Summary - May 2015. Collection method: clinical testing. Allele origin: germline.
Comment: Variant summary: CCDC88C c.1571A>G (p.Asn524Ser) results in a conservative amino acid change in the encoded protein sequence. Algorithms developed to predict the effect of missense changes on protein structure and function are either unavailable or do not agree on the potential impact of this missense change. The variant was absent in 248370 control chromosomes. The available data on variant occurrences in the general population are insufficient to allow any conclusion about variant significance. To our knowledge, no occurrence of c.1571A>G in individuals affected with CCDC88C-related conditions and no experimental evidence demonstrating its impact on protein function have been reported. No submitters have cited clinical-significance assessments for this variant to ClinVar. Based on the evidence outlined above, the variant was classified as uncertain significance.